The following is an entry in ClinVar:

ClinVar aggregate classification (germline): Uncertain significance (1 of 4 stars; one submission).

Conditions:
Inborn genetic diseases. Identifiers: MedGen C0950123, MeSH D030342.

Submission:

Ambry Genetics
Classification: Uncertain significance for Inborn genetic diseases. Last evaluated: 2025-01-07. Review status: criteria provided, single submitter. Criteria: Ambry Variant Classification Scheme 2023. Collection method: clinical testing. Allele origin: germline.
Comment: The p.R1225S variant (also known as c.3675G>T), located in coding exon 17 of the MECOM gene, results from a G to T substitution at nucleotide position 3675. The arginine at codon 1225 is replaced by serine, an amino acid with dissimilar properties. This amino acid position is conserved. In addition, the in silico prediction for this alteration is inconclusive. Based on the available evidence, the clinical significance of this variant remains unclear.

NM_004991.4(MECOM):c.3675G>T (p.Arg1225Ser)

Gene: MECOM (MDS1 and EVI1 complex locus; minus strand). Cytogenetic location: 3q26.2.
Variant type: single nucleotide variant.
Coding change: c.3675G>T on transcript NM_004991.4 (MANE Select); coding-DNA position 3675, G replaced by T.
Protein change: p.Arg1225Ser; replaces arginine 1225 with serine.
Molecular consequence: missense variant.
Genome position (GRCh38, 1-based): chr3:169,084,954, C>A on the plus strand (G>T on the coding strand, the complement: MECOM is on the minus strand). VCF-style: chr3-169084954-C-A. GRCh37 (hg19) VCF-style: chr3-168802742-C-A.
Other names: c.3306G>T, p.Arg1102Ser (NM_001105077.4); c.3111G>T, p.Arg1037Ser (NM_001105078.4, NM_001205194.2, NM_001366469.2 and 1 more transcripts); c.3087G>T, p.Arg1029Ser (NM_001163999.2, NM_001366470.2); c.3084G>T, p.Arg1028Ser (NM_001164000.2, NM_001366471.2, NM_001366472.2); c.3648G>T, p.Arg1216Ser (NM_001366466.2); c.3114G>T, p.Arg1038Ser (NM_001366467.2, NM_001366468.2); c.2676G>T, p.Arg892Ser (NM_001366473.2); c.2112G>T, p.Arg704Ser (NM_001366474.2); short protein forms R1028S, R1037S, R1029S, R1216S, R892S, R1038S, R1102S, R1225S.
Identifiers: ClinVar variation 3871681 (VCV003871681.1).